The following is an entry in ClinVar:

NM_005633.4(SOS1):c.3406T>A (p.Ser1136Thr)

Gene: SOS1 (SOS Ras/Rac guanine nucleotide exchange factor 1; minus strand). Cytogenetic location: 2p22.1.
Variant type: single nucleotide variant.
Coding change: c.3406T>A on transcript NM_005633.4 (MANE Select); coding-DNA position 3406, T replaced by A.
Protein change: p.Ser1136Thr; replaces serine 1136 with threonine.
Molecular consequence: missense variant.
Genome position (GRCh38, 1-based): chr2:38,987,577, A>T on the plus strand (T>A on the coding strand, the complement: SOS1 is on the minus strand). VCF-style: chr2-38987577-A-T. GRCh37 (hg19) VCF-style: chr2-39214718-A-T.
Other names: c.3385T>A, p.Ser1129Thr (NM_001382394.1); c.3361T>A, p.Ser1121Thr (NM_001382395.1); short protein forms S1121T, S1129T, S1136T.
Identifiers: ClinVar variation 1172900 (VCV001172900.1), dbSNP rs2124458840, ClinGen allele CA346359778.

ClinVar aggregate classification (germline): Uncertain significance (1 of 4 stars; one submission).

Submission:

Women's Health and Genetics/Laboratory Corporation of America, LabCorp
Classification: Uncertain significance. Last evaluated: 2021-06-01. Review status: criteria provided, single submitter. Criteria: LabCorp Variant Classification Summary - May 2015. Collection method: clinical testing. Allele origin: germline.
Comment: Variant summary: SOS1 c.3406T>A (p.Ser1136Thr) results in a conservative amino acid change in the encoded protein sequence. Three of five in-silico tools predict a benign effect of the variant on protein function. The variant was absent in 242348 control chromosomes. The available data on variant occurrences in the general population are insufficient to allow any conclusion about variant significance. To our knowledge, no occurrence of c.3406T>A in individuals affected with Noonan Syndrome and no experimental evidence demonstrating its impact on protein function have been reported. No clinical diagnostic laboratories have submitted clinical-significance assessments for this variant to ClinVar after 2014. Based on the evidence outlined above, the variant was classified as uncertain significance.